The following is an entry in ClinVar:

NM_198576.4(AGRN):c.5254-190C>T

Gene: AGRN (agrin; plus strand). Cytogenetic location: 1p36.33.
Variant type: single nucleotide variant.
Coding change: c.5254-190C>T on transcript NM_198576.4 (MANE Select); 190 bases into the intron before coding-DNA position 5254, C replaced by T.
Molecular consequence: intron variant.
Genome position (GRCh38, 1-based): chr1:1,051,063, C>T. VCF-style: chr1-1051063-C-T. GRCh37 (hg19) VCF-style: chr1-986443-C-T.
Other names: c.5265+20C>T (NM_001305275.2); c.4950+20C>T (NM_001364727.2).
Identifiers: ClinVar variation 677954 (VCV000677954.6), dbSNP rs2710887, ClinGen allele CA509948.

ClinVar aggregate classification (germline): Benign. Review status: criteria provided, multiple submitters, no conflicts (2 of 4 stars). 4 submissions from 4 submitters: Benign (4). Last evaluated 2024-11-26.

Conditions:
Congenital myasthenic syndrome 8. Also called: MYASTHENIC SYNDROME, CONGENITAL, DUE TO AGRIN DEFICIENCY; Myasthenic syndrome, congenital, 8, with pre- and postsynaptic defects. Identifiers: Orphanet 590, MedGen C3808739, MONDO:0014052, OMIM 615120.

Allele frequency attached by ClinVar (database versions not stated): TOPMed 0.76070; gnomAD 0.76955 and 0.78027; 1000 Genomes Project 30x 0.77936; 1000 Genomes Project 0.78854; ExAC 0.87573; gnomAD exomes 0.89727 and 0.90349.
gnomAD v4.1: 1,379,373 of 1,548,592 alleles (89%); highest among the groups gnomAD compares: East Asian, 100%; 623,518 homozygotes.

Submissions (4):

Blueprint Genetics
Classification: Benign. Last evaluated: 2024-11-26. Review status: criteria provided, single submitter. Criteria: ACMG Guidelines, 2015. Collection method: clinical testing. Allele origin: germline.

Genome-Nilou Lab
Classification: Benign for Congenital myasthenic syndrome 8. Last evaluated: 2021-07-14. Review status: criteria provided, single submitter. Criteria: ACMG Guidelines, 2015. Collection method: clinical testing. Allele origin: germline. Affected: no.

GeneDx
Classification: Benign. Last evaluated: 2018-06-16. Review status: criteria provided, single submitter. Criteria: GeneDx Variant Classification (06012015). Collection method: clinical testing. Allele origin: germline. Affected: yes.
Comment: This variant is considered likely benign or benign based on one or more of the following criteria: it is a conservative change, it occurs at a poorly conserved position in the protein, it is predicted to be benign by multiple in silico algorithms, and/or has population frequency not consistent with disease.

Breakthrough Genomics
Classification: Benign. Review status: criteria provided, single submitter. Criteria: ACMG Guidelines, 2015. Collection method: not provided. Allele origin: germline. Inheritance: Autosomal recessive inheritance. Affected: yes.